The following is an entry in ClinVar:

ClinVar aggregate classification (germline): Uncertain significance (1 of 4 stars; one submission).

Conditions:
Multiple endocrine neoplasia, type 2 (MEN2). Identifiers: Orphanet 653, MedGen C4048306, MONDO:0019003. Disease mechanism: gain of function.

Allele frequency attached by ClinVar (database versions not stated): gnomAD 0.00001; gnomAD exomes 0.00001; ExAC 0.00002.
gnomAD v4.1: 14 of 1,610,000 alleles (0.00087%); highest among the groups gnomAD compares: South Asian, 0.013%; 1 homozygote.

Submission:

Labcorp Genetics (formerly Invitae), Labcorp
Classification: Uncertain significance for Multiple endocrine neoplasia, type 2. Last evaluated: 2022-07-17. Review status: criteria provided, single submitter. Criteria: Invitae Variant Classification Sherloc (09022015). Collection method: clinical testing. Allele origin: germline.
Comment: This variant is present in population databases (rs771768140, gnomAD 0.01%). This sequence change replaces phenylalanine, which is neutral and non-polar, with leucine, which is neutral and non-polar, at codon 709 of the RET protein (p.Phe709Leu). This variant has not been reported in the literature in individuals affected with RET-related conditions. Algorithms developed to predict the effect of missense changes on protein structure and function are either unavailable or do not agree on the potential impact of this missense change (SIFT: "Deleterious"; PolyPhen-2: "Benign"; Align-GVGD: "Class C0"). In summary, the available evidence is currently insufficient to determine the role of this variant in disease. Therefore, it has been classified as a Variant of Uncertain Significance.

NM_020975.6(RET):c.2125T>C (p.Phe709Leu)

Gene: RET (ret proto-oncogene; plus strand). Cytogenetic location: 10q11.21.
Variant type: single nucleotide variant.
Coding change: c.2125T>C on transcript NM_020975.6 (MANE Select); coding-DNA position 2125, T replaced by C.
Protein change: p.Phe709Leu; replaces phenylalanine 709 with leucine.
Molecular consequence: missense variant.
Genome position (GRCh38, 1-based): chr10:43,114,725, T>C. VCF-style: chr10-43114725-T-C. GRCh37 (hg19) VCF-style: chr10-43610173-T-C.
Other names: c.1399T>C, p.Phe467Leu (NM_001406775.1, NM_001406776.1, NM_001406777.1 and 1 more transcripts); c.1228T>C, p.Phe410Leu (NM_001406779.1, NM_001406780.1, NM_001406781.1 and 1 more transcripts); c.1099T>C, p.Phe367Leu (NM_001406783.1, NM_001406786.1); c.1135T>C, p.Phe379Leu (NM_001406784.1); c.2125T>C, p.Phe709Leu (NM_000323.2, NM_001406743.1, NM_001406744.1 and 4 more transcripts); c.1363T>C, p.Phe455Leu (NM_001355216.2); c.1996T>C, p.Phe666Leu (NM_001406761.1, NM_001406762.1, NM_001406764.1); c.1990T>C, p.Phe664Leu (NM_001406763.1, NM_001406765.1); and 10 more; short protein forms F226L, F274L, F314L, F365L, F367L, F370L, F379L, F410L.
Identifiers: ClinVar variation 1716515 (VCV001716515.5), dbSNP rs771768140, ClinGen allele CA037392.